The following is an entry in ClinVar:

ClinVar aggregate classification (germline): Pathogenic (1 of 4 stars; one submission).

Conditions:
Seizures, benign familial infantile, 3 (BFIS3). Also called: CONVULSIONS, BENIGN FAMILIAL INFANTILE, 3; Familial neonatal seizures. Identifiers: Orphanet 140927, Orphanet 306, MedGen C1843140, MONDO:0011904, OMIM 607745.
Developmental and epileptic encephalopathy, 11 (DEE11). Also called: Early infantile epileptic encephalopathy 11. Identifiers: Orphanet 1934, MedGen C3150987, MONDO:0013388, OMIM 613721.

Submission:

Labcorp Genetics (formerly Invitae), Labcorp
Classification: Pathogenic for Seizures, benign familial infantile, 3; Developmental and epileptic encephalopathy, 11. Last evaluated: 2018-03-24. Review status: criteria provided, single submitter. Criteria: Invitae Variant Classification Sherloc (09022015). Collection method: clinical testing. Allele origin: germline.
Comment: This variant is not present in population databases (ExAC no frequency). For these reasons, this variant has been classified as Pathogenic. Loss-of-function variants in SCN2A are known to be pathogenic (PMID: 22495306, 23020937, 24650168). This variant has not been reported in the literature in individuals with SCN2A-related disease. This sequence change creates a premature translational stop signal (p.Glu321Valfs*6) in the SCN2A gene. It is expected to result in an absent or disrupted protein product.

Literature cited by the submitters: PubMed 22495306; PubMed 23020937; PubMed 24650168.

NM_001040142.2(SCN2A):c.962_970+1del

Gene: SCN2A (sodium voltage-gated channel alpha subunit 2; plus strand). Cytogenetic location: 2q24.3.
Variant type: Deletion.
Coding change: c.962_970+1del on transcript NM_001040142.2 (MANE Select); coding-DNA position 962 through the canonical splice donor site of the intron after coding-DNA position 970, 10 bases deleted (AGGATAAAAG; older notation c.962_970+1delAGGATAAAAG).
Molecular consequence: splice donor variant.
Genome position (GRCh38, 1-based): chr2:165,310,587-165,310,596, AGGATAAAAG deleted; deleting any 10 consecutive bases within chr2:165,310,586-165,310,596 gives the same sequence; the c. name uses the placement nearest the transcript's 3' end. VCF-style (leftmost placement, unchanged base first): chr2-165310585-TGAGGATAAAA-T. GRCh37 (hg19) VCF-style: chr2-166167095-TGAGGATAAAA-T.
Other names: c.962_970+1del (NM_001040143.2, NM_001371246.1, NM_001371247.1 and 1 more transcripts).
Identifiers: ClinVar variation 579666 (VCV000579666.7), dbSNP rs1559353540, ClinGen allele CA891842610.